The following is an entry in ClinVar:

NM_183381.3(RNF13):c.218C>A (p.Pro73Gln)

Gene: RNF13 (ring finger protein 13; plus strand). Cytogenetic location: 3q25.1.
Variant type: single nucleotide variant.
Coding change: c.218C>A on transcript NM_183381.3 (MANE Select); coding-DNA position 218, C replaced by A.
Protein change: p.Pro73Gln; replaces proline 73 with glutamine.
Molecular consequence: missense variant. On other transcripts: 5 prime UTR variant (6), non-coding transcript variant (1).
Genome position (GRCh38, 1-based): chr3:149,872,051, C>A. VCF-style: chr3-149872051-C-A. GRCh37 (hg19) VCF-style: chr3-149589838-C-A.
Other names: c.218C>A, p.Pro73Gln (NM_001378285.1, NM_001378286.1, NM_007282.4); c.-150C>A (NM_001378287.1, NM_001378288.1, NM_001378289.1 and 2 more transcripts); c.-176C>A (NM_001378291.1); short protein forms P73Q.
Identifiers: ClinVar variation 1393934 (VCV001393934.6), dbSNP rs2108442079, ClinGen allele CA355010177.

ClinVar aggregate classification (germline): Uncertain significance (1 of 4 stars; one submission).

Submission:

Labcorp Genetics (formerly Invitae), Labcorp
Classification: Uncertain significance. Last evaluated: 2023-08-10. Review status: criteria provided, single submitter. Criteria: Invitae Variant Classification Sherloc (09022015). Collection method: clinical testing. Allele origin: germline.
Comment: In summary, the available evidence is currently insufficient to determine the role of this variant in disease. Therefore, it has been classified as a Variant of Uncertain Significance. Advanced modeling of protein sequence and biophysical properties (such as structural, functional, and spatial information, amino acid conservation, physicochemical variation, residue mobility, and thermodynamic stability) performed at Invitae indicates that this missense variant is expected to disrupt RNF13 protein function. ClinVar contains an entry for this variant (Variation ID: 1393934). This variant has not been reported in the literature in individuals affected with RNF13-related conditions. This variant is not present in population databases (gnomAD no frequency). This sequence change replaces proline, which is neutral and non-polar, with glutamine, which is neutral and polar, at codon 73 of the RNF13 protein (p.Pro73Gln).